The following is an entry in ClinVar:

ClinVar aggregate classification (germline): Uncertain significance. Review status: criteria provided, multiple submitters, no conflicts (2 of 4 stars). 2 submissions from 2 submitters: Uncertain significance (2). Last evaluated 2022-11-15.

Allele frequency attached by ClinVar (database versions not stated): TOPMed below 0.00001; gnomAD exomes 0.00001; ExAC 0.00003.

Submissions (2):

Labcorp Genetics (formerly Invitae), Labcorp
Classification: Uncertain significance. Last evaluated: 2022-11-15. Review status: criteria provided, single submitter. Criteria: Invitae Variant Classification Sherloc (09022015). Collection method: clinical testing. Allele origin: germline.
Comment: In summary, the available evidence is currently insufficient to determine the role of this variant in disease. Therefore, it has been classified as a Variant of Uncertain Significance. Advanced modeling of protein sequence and biophysical properties (such as structural, functional, and spatial information, amino acid conservation, physicochemical variation, residue mobility, and thermodynamic stability) performed at Invitae indicates that this missense variant is not expected to disrupt SAG protein function. This variant has not been reported in the literature in individuals affected with SAG-related conditions. This variant is present in population databases (rs775968495, gnomAD 0.01%). This sequence change replaces valine, which is neutral and non-polar, with isoleucine, which is neutral and non-polar, at codon 324 of the SAG protein (p.Val324Ile).

Blueprint Genetics
Classification: Uncertain significance. Last evaluated: 2021-01-11. Review status: criteria provided, single submitter. Criteria: ACMG Guidelines, 2015. Collection method: clinical testing. Allele origin: germline.

NM_000541.5(SAG):c.970G>A (p.Val324Ile)

Gene: SAG (S-antigen visual arrestin; plus strand). Cytogenetic location: 2q37.1.
Variant type: single nucleotide variant.
Coding change: c.970G>A on transcript NM_000541.5 (MANE Select); coding-DNA position 970, G replaced by A.
Protein change: p.Val324Ile; replaces valine 324 with isoleucine.
Molecular consequence: missense variant.
Genome position (GRCh38, 1-based): chr2:233,338,701, G>A. VCF-style: chr2-233338701-G-A. GRCh37 (hg19) VCF-style: chr2-234247347-G-A.
Other names: short protein forms V324I.
Identifiers: ClinVar variation 2070070 (VCV002070070.5), dbSNP rs775968495, ClinGen allele CA2174604.